The following is an entry in ClinVar:

ClinVar aggregate classification (germline): Conflicting classifications of pathogenicity. Review status: criteria provided, conflicting classifications (1 of 4 stars). 4 submissions from 4 submitters: Uncertain significance (3); Likely benign (1). Last evaluated 2025-01-15.

Conditions:
Retinitis pigmentosa (RP). Identifiers: Orphanet 791, MedGen C0035334, MeSH D012174, MONDO:0019200, OMIM 268000. Inheritance: Autosomal dominant, autosomal recessive and X linked inheritance.

Allele frequency attached by ClinVar (database versions not stated): ESP Exome Variant Server 0.00008; gnomAD 0.00009; TOPMed 0.00011; gnomAD exomes 0.00012; 1000 Genomes Project 30x 0.00016; ExAC 0.00017.
gnomAD v4.1: 94 of 1,611,986 alleles (0.0058%); highest among the groups gnomAD compares: Admixed American, 0.025%; no homozygotes.

Submissions (4):

Labcorp Genetics (formerly Invitae), Labcorp
Classification: Uncertain significance. Last evaluated: 2025-01-15. Review status: criteria provided, single submitter. Criteria: Invitae Variant Classification Sherloc (09022015). Collection method: clinical testing. Allele origin: germline.
Comment: This sequence change replaces arginine, which is basic and polar, with glutamine, which is neutral and polar, at codon 864 of the RBP3 protein (p.Arg864Gln). This variant is present in population databases (rs371184896, gnomAD 0.1%). This variant has not been reported in the literature in individuals affected with RBP3-related conditions. ClinVar contains an entry for this variant (Variation ID: 299962). An algorithm developed to predict the effect of missense changes on protein structure and function outputs the following: PolyPhen-2: "Possibly Damaging". The glutamine amino acid residue is found in multiple mammalian species, which suggests that this missense change does not adversely affect protein function. In summary, the available evidence is currently insufficient to determine the role of this variant in disease. Therefore, it has been classified as a Variant of Uncertain Significance.

Blueprint Genetics
Classification: Likely benign. Last evaluated: 2023-11-09. Review status: criteria provided, single submitter. Criteria: ACMG Guidelines, 2015. Collection method: clinical testing. Allele origin: germline.

Illumina Laboratory Services, Illumina
Classification: Uncertain significance for Retinitis pigmentosa. Last evaluated: 2018-01-13. Review status: criteria provided, single submitter. Criteria: ICSL Variant Classification Criteria 13 December 2019. Collection method: clinical testing. Allele origin: germline.

Breakthrough Genomics
Classification: Uncertain significance. Review status: criteria provided, single submitter. Criteria: ACMG Guidelines, 2015. Collection method: not provided. Allele origin: germline. Inheritance: Autosomal recessive inheritance. Affected: yes.

NM_002900.3(RBP3):c.2591G>A (p.Arg864Gln)

Gene: RBP3 (retinol binding protein 3; plus strand). Cytogenetic location: 10q11.22.
Variant type: single nucleotide variant.
Coding change: c.2591G>A on transcript NM_002900.3 (MANE Select); coding-DNA position 2591, G replaced by A.
Protein change: p.Arg864Gln; replaces arginine 864 with glutamine.
Molecular consequence: missense variant.
Genome position (GRCh38, 1-based): chr10:47,351,075, G>A. VCF-style: chr10-47351075-G-A. GRCh37 (hg19) VCF-style: chr10-48388287-C-T.
Other names: short protein forms R864Q.
Identifiers: ClinVar variation 299962 (VCV000299962.12), dbSNP rs371184896, ClinGen allele CA5487242.